The following is an entry in ClinVar:

ClinVar aggregate classification (germline): Conflicting classifications of pathogenicity. Review status: criteria provided, conflicting classifications (1 of 4 stars). 3 submissions from 3 submitters: Uncertain significance (2); Likely benign (1). Last evaluated 2025-07-13.

Allele frequency attached by ClinVar (database versions not stated): gnomAD exomes 0.00003 and 0.00010; gnomAD 0.00004; TOPMed 0.00008.
gnomAD v4.1: 137 of 1,513,360 alleles (0.0091%); highest among the groups gnomAD compares: Non-Finnish European, 0.012%; no homozygotes.

Submissions (3):

Ambry Genetics
Classification: Uncertain significance. Last evaluated: 2025-07-13. Review status: criteria provided, single submitter. Criteria: Ambry Variant Classification Scheme 2023. Collection method: clinical testing. Allele origin: germline.

Blueprint Genetics
Classification: Likely benign. Last evaluated: 2024-07-30. Review status: criteria provided, single submitter. Criteria: ACMG Guidelines, 2015. Collection method: clinical testing. Allele origin: germline.

Labcorp Genetics (formerly Invitae), Labcorp
Classification: Uncertain significance. Last evaluated: 2021-05-18. Review status: criteria provided, single submitter. Criteria: Invitae Variant Classification Sherloc (09022015). Collection method: clinical testing. Allele origin: germline.
Comment: In summary, the available evidence is currently insufficient to determine the role of this variant in disease. Therefore, it has been classified as a Variant of Uncertain Significance. Algorithms developed to predict the effect of missense changes on protein structure and function are either unavailable or do not agree on the potential impact of this missense change (SIFT: "Deleterious"; PolyPhen-2: "Benign"; Align-GVGD: "Class C0"). This variant has not been reported in the literature in individuals with CASZ1-related conditions. The frequency data for this variant in the population databases is considered unreliable, as metrics indicate insufficient coverage at this position in the ExAC database. This sequence change replaces glutamic acid with lysine at codon 1625 of the CASZ1 protein (p.Glu1625Lys). The glutamic acid residue is weakly conserved and there is a small physicochemical difference between glutamic acid and lysine.

NM_001079843.3(CASZ1):c.4873G>A (p.Glu1625Lys)

Gene: CASZ1 (castor zinc finger 1; minus strand). Cytogenetic location: 1p36.22.
Variant type: single nucleotide variant.
Coding change: c.4873G>A on transcript NM_001079843.3 (MANE Select); coding-DNA position 4873, G replaced by A.
Protein change: p.Glu1625Lys; replaces glutamic acid 1625 with lysine.
Molecular consequence: missense variant.
Genome position (GRCh38, 1-based): chr1:10,639,349, C>T on the plus strand (G>A on the coding strand, the complement: CASZ1 is on the minus strand). VCF-style: chr1-10639349-C-T. GRCh37 (hg19) VCF-style: chr1-10699406-C-T.
Other names: c.4873G>A (NM_001079843.1); short protein forms E1625K.
Identifiers: ClinVar variation 1399629 (VCV001399629.11), dbSNP rs925726647, ClinGen allele CA17863274.